The following is an entry in ClinVar:

ClinVar aggregate classification (germline): Uncertain significance (1 of 4 stars; one submission).

Conditions:
Glycogen storage disease IXa1. Also called: LIVER GLYCOGENOSIS, X-LINKED, TYPE I; GLYCOGEN STORAGE DISEASE VIII; GSD VIII; Glycogen storage disease 8. Identifiers: Orphanet 264580, MedGen C3694531, MONDO:0010598, OMIM 306000.

Submission:

Labcorp Genetics (formerly Invitae), Labcorp
Classification: Uncertain significance for Glycogen storage disease IXa1. Last evaluated: 2023-11-10. Review status: criteria provided, single submitter. Criteria: Invitae Variant Classification Sherloc (09022015). Collection method: clinical testing. Allele origin: germline.
Comment: This sequence change replaces threonine, which is neutral and polar, with alanine, which is neutral and non-polar, at codon 1041 of the PHKA2 protein (p.Thr1041Ala). This variant is not present in population databases (gnomAD no frequency). This variant has not been reported in the literature in individuals affected with PHKA2-related conditions. Advanced modeling of protein sequence and biophysical properties (such as structural, functional, and spatial information, amino acid conservation, physicochemical variation, residue mobility, and thermodynamic stability) performed at Invitae indicates that this missense variant is not expected to disrupt PHKA2 protein function with a negative predictive value of 95%. In summary, the available evidence is currently insufficient to determine the role of this variant in disease. Therefore, it has been classified as a Variant of Uncertain Significance.

NM_000292.3(PHKA2):c.3121A>G (p.Thr1041Ala)

Gene: PHKA2 (phosphorylase kinase regulatory subunit alpha 2; minus strand). Cytogenetic location: Xp22.13.
Variant type: single nucleotide variant.
Coding change: c.3121A>G on transcript NM_000292.3 (MANE Select); coding-DNA position 3121, A replaced by G.
Protein change: p.Thr1041Ala; replaces threonine 1041 with alanine.
Molecular consequence: missense variant.
Genome position (GRCh38, 1-based): chrX:18,897,324, T>C on the plus strand (A>G on the coding strand, the complement: PHKA2 is on the minus strand). VCF-style: chrX-18897324-T-C. GRCh37 (hg19) VCF-style: chrX-18915442-T-C.
Other names: short protein forms T1041A.
Identifiers: ClinVar variation 2916168 (VCV002916168.3), dbSNP rs981166957, ClinGen allele CA327028976.
Genomic context (GRCh38, chrX:18,897,324, plus strand): 5'-CCCAGCCGATGTGATGTCCTCCCGAGTCTGAGGATGACGTGCCAGTGGGCGAGGATGGGG[T>C]GCTGGACCTCTGCAAGACAGACAGCTTGGGGCCTCAGAAGCCACGCAGCAGGTGCCCCAG-3'
Protein context (NP_000283.1, residues 1031-1051): AHSSKSARSS[Thr1041Ala]PSSPTGTSSS